The following is an entry in ClinVar:

ClinVar aggregate classification (germline): Uncertain significance (1 of 4 stars; one submission).

Conditions:
Inborn genetic diseases. Identifiers: MedGen C0950123, MeSH D030342.

Submission:

Ambry Genetics
Classification: Uncertain significance for Inborn genetic diseases. Last evaluated: 2023-12-21. Review status: criteria provided, single submitter. Criteria: Ambry Variant Classification Scheme 2023. Collection method: clinical testing. Allele origin: germline.
Comment: The p.S884G variant (also known as c.2650A>G), located in coding exon 20 of the BUB1B gene, results from an A to G substitution at nucleotide position 2650. The serine at codon 884 is replaced by glycine, an amino acid with similar properties. This amino acid position is conserved. In addition, this alteration is predicted to be tolerated by in silico analysis. Since supporting evidence is limited at this time, the clinical significance of this alteration remains unclear.

NM_001211.6(BUB1B):c.2650A>G (p.Ser884Gly)

Gene: BUB1B (BUB1 mitotic checkpoint serine/threonine kinase B; plus strand). Cytogenetic location: 15q15.1.
Variant type: single nucleotide variant.
Coding change: c.2650A>G on transcript NM_001211.6 (MANE Select); coding-DNA position 2650, A replaced by G.
Protein change: p.Ser884Gly; replaces serine 884 with glycine.
Molecular consequence: missense variant.
Genome position (GRCh38, 1-based): chr15:40,213,446, A>G. VCF-style: chr15-40213446-A-G. GRCh37 (hg19) VCF-style: chr15-40505647-A-G.
Other names: short protein forms S884G.
Identifiers: ClinVar variation 3221402 (VCV003221402.1), dbSNP rs2542577139, ClinGen allele CA391686507.